The following is an entry in ClinVar:

NM_001271.4(CHD2):c.5351T>C (p.Val1784Ala)

Gene: CHD2 (chromodomain helicase DNA binding protein 2; plus strand). Cytogenetic location: 15q26.1.
Variant type: single nucleotide variant.
Coding change: c.5351T>C on transcript NM_001271.4 (MANE Select); coding-DNA position 5351, T replaced by C.
Protein change: p.Val1784Ala; replaces valine 1784 with alanine.
Molecular consequence: missense variant.
Genome position (GRCh38, 1-based): chr15:93,024,569, T>C. VCF-style: chr15-93024569-T-C. GRCh37 (hg19) VCF-style: chr15-93567799-T-C.
Other names: short protein forms V1784A.
Identifiers: ClinVar variation 949965 (VCV000949965.8), dbSNP rs776419537, ClinGen allele CA7748727.
Genomic context (GRCh38, chr15:93,024,569, plus strand): 5'-CTTTCCACACAGATAAACTGGGGGAATATAAACAGCCTCTACCCCCATTGCACCCTGCAG[T>C]CTCAGATCCTCGCTCACCCCCTTCTCAGAAATCTCCTCACGATTCCAAGTCACCCCTGGA-3'
Protein context (NP_001262.3, residues 1774-1794): KQPLPPLHPA[Val1784Ala]SDPRSPPSQK

ClinVar aggregate classification (germline): Uncertain significance (1 of 4 stars; one submission).

Conditions:
Developmental and epileptic encephalopathy 94 (DEE94). Also called: CHD2-Related Neurodevelopmental Disorders; Epileptic encephalopathy, childhood-onset. Identifiers: Orphanet 1942, Orphanet 2382, MedGen C3809278, MONDO:0014150, OMIM 615369.

Allele frequency attached by ClinVar (database versions not stated): gnomAD exomes below 0.00001 and 0.00001; ExAC 0.00001; TOPMed 0.00002; gnomAD 0.00005.
gnomAD v4.1: 8 of 1,614,010 alleles (0.0005%); highest among the groups gnomAD compares: African/African-American, 0.0093%; no homozygotes.

Submission:

Labcorp Genetics (formerly Invitae), Labcorp
Classification: Uncertain significance for Developmental and epileptic encephalopathy 94. Last evaluated: 2023-06-14. Review status: criteria provided, single submitter. Criteria: Invitae Variant Classification Sherloc (09022015). Collection method: clinical testing. Allele origin: germline.
Comment: Advanced modeling of protein sequence and biophysical properties (such as structural, functional, and spatial information, amino acid conservation, physicochemical variation, residue mobility, and thermodynamic stability) performed at Invitae indicates that this missense variant is not expected to disrupt CHD2 protein function. In summary, the available evidence is currently insufficient to determine the role of this variant in disease. Therefore, it has been classified as a Variant of Uncertain Significance. ClinVar contains an entry for this variant (Variation ID: 949965). This variant has not been reported in the literature in individuals affected with CHD2-related conditions. This variant is present in population databases (rs776419537, gnomAD 0.01%). This sequence change replaces valine, which is neutral and non-polar, with alanine, which is neutral and non-polar, at codon 1784 of the CHD2 protein (p.Val1784Ala).